The following is an entry in ClinVar:

ClinVar aggregate classification (germline): Uncertain significance (1 of 4 stars; one submission).

Submission:

Labcorp Genetics (formerly Invitae), Labcorp
Classification: Uncertain significance. Last evaluated: 2024-05-06. Review status: criteria provided, single submitter. Criteria: Invitae Variant Classification Sherloc (09022015). Collection method: clinical testing. Allele origin: germline.
Comment: This sequence change replaces arginine, which is basic and polar, with histidine, which is basic and polar, at codon 42 of the ATOH7 protein (p.Arg42His). The frequency data for this variant in the population databases is considered unreliable, as metrics indicate poor data quality at this position in the gnomAD database. This variant has not been reported in the literature in individuals affected with ATOH7-related conditions. An algorithm developed to predict the effect of missense changes on protein structure and function (PolyPhen-2) suggests that this variant is likely to be disruptive. In summary, the available evidence is currently insufficient to determine the role of this variant in disease. Therefore, it has been classified as a Variant of Uncertain Significance.

NM_145178.4(ATOH7):c.125G>A (p.Arg42His)

Gene: ATOH7 (atonal bHLH transcription factor 7; minus strand). Cytogenetic location: 10q21.3.
Variant type: single nucleotide variant.
Coding change: c.125G>A on transcript NM_145178.4 (MANE Select); coding-DNA position 125, G replaced by A.
Protein change: p.Arg42His; replaces arginine 42 with histidine.
Molecular consequence: missense variant.
Genome position (GRCh38, 1-based): chr10:68,231,553, C>T on the plus strand (G>A on the coding strand, the complement: ATOH7 is on the minus strand). VCF-style: chr10-68231553-C-T. GRCh37 (hg19) VCF-style: chr10-69991310-C-T.
Other names: short protein forms R42H.
Identifiers: ClinVar variation 3652423 (VCV003652423.2).